The following is an entry in ClinVar:

ClinVar aggregate classification (germline): Uncertain significance (1 of 4 stars; one submission).

Conditions:
Hereditary spastic paraplegia 10 (SPG10). Also called: SPASTIC PARAPLEGIA 10, AUTOSOMAL DOMINANT; SPASTIC PARAPLEGIA 10 WITH OR WITHOUT PERIPHERAL NEUROPATHY; SPASTIC PARAPLEGIA 10 WITH PERIPHERAL NEUROPATHY. Identifiers: Orphanet 100991, MedGen C1858712, MONDO:0011408, OMIM 604187.

Submission:

Baylor Genetics
Classification: Uncertain significance for Hereditary spastic paraplegia 10. Last evaluated: 2020-03-26. Review status: criteria provided, single submitter. Criteria: ACMG Guidelines, 2015. Collection method: clinical testing. Allele origin: unknown. Affected: yes.
Comment: This variant was determined to be of uncertain significance according to ACMG Guidelines, 2015 [PMID:25741868].

NM_004984.4(KIF5A):c.1710T>G (p.Ile570Met)

Gene: KIF5A (kinesin family member 5A; plus strand). Cytogenetic location: 12q13.3.
Variant type: single nucleotide variant.
Coding change: c.1710T>G on transcript NM_004984.4 (MANE Select); coding-DNA position 1710, T replaced by G.
Protein change: p.Ile570Met; replaces isoleucine 570 with methionine.
Molecular consequence: missense variant.
Genome position (GRCh38, 1-based): chr12:57,572,720, T>G. VCF-style: chr12-57572720-T-G. GRCh37 (hg19) VCF-style: chr12-57966503-T-G.
Other names: c.1443T>G, p.Ile481Met (NM_001354705.2); short protein forms I481M, I570M.
Identifiers: ClinVar variation 1029911 (VCV001029911.1), dbSNP rs1882294516, ClinGen allele CA385508277.